The following is an entry in ClinVar:

ClinVar aggregate classification (germline): Uncertain significance (1 of 4 stars; one submission).

Conditions:
Duchenne muscular dystrophy (DMD). Also called: MUSCULAR DYSTROPHY, PSEUDOHYPERTROPHIC PROGRESSIVE, DUCHENNE TYPE; Duchenne Muscular Dystrophy (DMD). Identifiers: Orphanet 98896, MedGen C0013264, MONDO:0010679, OMIM 310200.

Submission:

Labcorp Genetics (formerly Invitae), Labcorp
Classification: Uncertain significance for Duchenne muscular dystrophy. Last evaluated: 2022-03-08. Review status: criteria provided, single submitter. Criteria: Invitae Variant Classification Sherloc (09022015). Collection method: clinical testing. Allele origin: germline.
Comment: This sequence change replaces alanine, which is neutral and non-polar, with serine, which is neutral and polar, at codon 528 of the DMD protein (p.Ala528Ser). This variant is not present in population databases (gnomAD no frequency). This variant has not been reported in the literature in individuals affected with DMD-related conditions. Algorithms developed to predict the effect of missense changes on protein structure and function are either unavailable or do not agree on the potential impact of this missense change (SIFT: "Deleterious"; PolyPhen-2: "Possibly Damaging"; Align-GVGD: "Class C0"). In summary, the available evidence is currently insufficient to determine the role of this variant in disease. Therefore, it has been classified as a Variant of Uncertain Significance.

NM_004006.3(DMD):c.1582G>T (p.Ala528Ser)

Gene: DMD (dystrophin; minus strand). Cytogenetic location: Xp21.1.
Variant type: single nucleotide variant.
Coding change: c.1582G>T on transcript NM_004006.3 (MANE Select); coding-DNA position 1582, G replaced by T.
Protein change: p.Ala528Ser; replaces alanine 528 with serine.
Molecular consequence: missense variant.
Genome position (GRCh38, 1-based): chrX:32,595,777, C>A on the plus strand (G>T on the coding strand, the complement: DMD is on the minus strand). VCF-style: chrX-32595777-C-A. GRCh37 (hg19) VCF-style: chrX-32613894-C-A.
Other names: c.1558G>T, p.Ala520Ser (NM_000109.4); c.1570G>T, p.Ala524Ser (NM_004009.3); c.1213G>T, p.Ala405Ser (NM_004010.3); short protein forms A405S, A520S, A524S, A528S.
Identifiers: ClinVar variation 2107667 (VCV002107667.4), dbSNP rs201067368, ClinGen allele CA412665335.